The following is an entry in ClinVar:

NM_001308093.3(GATA4):c.1157C>T (p.Ser386Leu)

Gene: GATA4 (GATA binding protein 4). Cytogenetic location: 8p23.1.
Variant type: single nucleotide variant.
Coding change: c.1157C>T on transcript NM_001308093.3 (MANE Select); coding-DNA position 1157, C replaced by T.
Protein change: p.Ser386Leu; replaces serine 386 with leucine.
Molecular consequence: missense variant.
Genome position (GRCh38, 1-based): chr8:11,758,300, C>T. VCF-style: chr8-11758300-C-T. GRCh37 (hg19) VCF-style: chr8-11615809-C-T.
Other names: c.536C>T, p.Ser179Leu (NM_001308094.2, NM_001374273.1); c.410C>T, p.Ser137Leu (NM_001374274.1); c.1154C>T, p.Ser385Leu (NM_002052.5); short protein forms S137L, S179L, S385L, S386L.
Identifiers: ClinVar variation 4807427 (VCV004807427.1).

ClinVar aggregate classification (germline): Uncertain significance (1 of 4 stars; one submission).

Conditions:
Atrioventricular septal defect 4 (AVSD4). Identifiers: MedGen C3280781, MONDO:0013747, OMIM 614430.

gnomAD v4.1: 2 of 1,614,024 alleles (0.00012%); highest among the groups gnomAD compares: East Asian, 0.0045%; no homozygotes.

Submission:

Labcorp Genetics (formerly Invitae), Labcorp
Classification: Uncertain significance for Atrioventricular septal defect 4. Last evaluated: 2025-04-22. Review status: criteria provided, single submitter. Criteria: Invitae Variant Classification Sherloc (09022015). Collection method: clinical testing. Allele origin: germline.
Comment: This sequence change replaces serine, which is neutral and polar, with leucine, which is neutral and non-polar, at codon 385 of the GATA4 protein (p.Ser385Leu). This variant is present in population databases (no rsID available, gnomAD 0.06%). This variant has not been reported in the literature in individuals affected with GATA4-related conditions. Invitae Evidence Modeling of protein sequence and biophysical properties (such as structural, functional, and spatial information, amino acid conservation, physicochemical variation, residue mobility, and thermodynamic stability) indicates that this missense variant is not expected to disrupt GATA4 protein function with a negative predictive value of 95%. In summary, the available evidence is currently insufficient to determine the role of this variant in disease. Therefore, it has been classified as a Variant of Uncertain Significance.